The following is an entry in ClinVar:

ClinVar aggregate classification (germline): Likely benign. Review status: criteria provided, multiple submitters, no conflicts (2 of 4 stars). 6 submissions from 4 submitters: Likely benign (6). Last evaluated 2023-04-11.

Conditions:
Dilated cardiomyopathy 1D. Identifiers: Orphanet 154, Orphanet 54260, MedGen C1832243, MONDO:0011095, OMIM 601494.
Cardiomyopathy, familial restrictive, 3. Identifiers: Orphanet 75249, MedGen C2676271, MONDO:0012900, OMIM 612422.
Hypertrophic cardiomyopathy 2. Also called: TNNT2-Related Familial Hypertrophic Cardiomyopathy. Identifiers: MedGen C1861864, MONDO:0007266, OMIM 115195.
Cardiomyopathy (CMYO). Also called: Cardiomyopathies. Identifiers: Orphanet 167848, MedGen C0878544, MONDO:0004994, HP:0001638. Inheritance: Various modes of inheritance.

Allele frequency attached by ClinVar (database versions not stated): gnomAD exomes below 0.00001; TOPMed below 0.00001; ExAC 0.00001; gnomAD 0.00001 and 0.00003; 1000 Genomes Project 30x 0.00016; 1000 Genomes Project 0.00020.
gnomAD v4.1: 3 of 1,614,220 alleles (0.00019%); highest among the groups gnomAD compares: South Asian, 0.0011%; no homozygotes.

Submissions (6):

Genome-Nilou Lab
Classification: Likely benign for Dilated cardiomyopathy 1D. Last evaluated: 2023-04-11. Review status: criteria provided, single submitter. Criteria: ACMG Guidelines, 2015. Collection method: clinical testing. Allele origin: germline. Affected: no.

Genome-Nilou Lab
Classification: Likely benign for Cardiomyopathy, familial restrictive, 3. Last evaluated: 2023-04-11. Review status: criteria provided, single submitter. Criteria: ACMG Guidelines, 2015. Collection method: clinical testing. Allele origin: germline. Affected: no.

Genome-Nilou Lab
Classification: Likely benign for Hypertrophic cardiomyopathy 2. Last evaluated: 2023-04-11. Review status: criteria provided, single submitter. Criteria: ACMG Guidelines, 2015. Collection method: clinical testing. Allele origin: germline. Affected: no.

Labcorp Genetics (formerly Invitae), Labcorp
Classification: Likely benign for Cardiomyopathy, familial restrictive, 3; Hypertrophic cardiomyopathy 2; Dilated cardiomyopathy 1D. Last evaluated: 2021-05-18. Review status: criteria provided, single submitter. Criteria: Invitae Variant Classification Sherloc (09022015). Collection method: clinical testing. Allele origin: germline.

Color Diagnostics, LLC DBA Color Health
Classification: Likely benign for Cardiomyopathy. Last evaluated: 2018-12-18. Review status: criteria provided, single submitter. Criteria: ACMG Guidelines, 2015. Collection method: clinical testing. Allele origin: germline.

GeneDx
Classification: Likely benign. Last evaluated: 2016-06-22. Review status: criteria provided, single submitter. Criteria: GeneDx Variant Classification (06012015). Collection method: clinical testing. Allele origin: germline. Affected: yes.
Comment: This variant is considered likely benign or benign based on one or more of the following criteria: it is a conservative change, it occurs at a poorly conserved position in the protein, it is predicted to be benign by multiple in silico algorithms, and/or has population frequency not consistent with disease.

NM_001276345.2(TNNT2):c.552G>A (p.Lys184=)

Gene: TNNT2 (troponin T2, cardiac type; minus strand). Cytogenetic location: 1q32.1.
Variant type: single nucleotide variant.
Coding change: c.552G>A on transcript NM_001276345.2 (MANE Select); coding-DNA position 552, G replaced by A.
Protein change: p.Lys184=; no amino-acid change (lysine 184 retained).
Molecular consequence: synonymous variant.
Genome position (GRCh38, 1-based): chr1:201,363,344, C>T on the plus strand (G>A on the coding strand, the complement: TNNT2 is on the minus strand). VCF-style: chr1-201363344-C-T. GRCh37 (hg19) VCF-style: chr1-201332472-C-T.
Other names: c.552G>A, p.Lys184= (NM_000364.4); c.522G>A, p.Lys174= (NM_001001430.3, NM_001001431.3, NM_001276347.2); c.507G>A, p.Lys169= (NM_001001432.3); c.432G>A, p.Lys144= (NM_001276346.2).
Identifiers: ClinVar variation 387041 (VCV000387041.11), dbSNP rs566113559, ClinGen allele CA089032.